The following is an entry in ClinVar:

NM_005120.3(MED12):c.89A>G (p.Lys30Arg)

Gene: MED12 (mediator complex subunit 12; plus strand). Cytogenetic location: Xq13.1.
Variant type: single nucleotide variant.
Coding change: c.89A>G on transcript NM_005120.3 (MANE Select); coding-DNA position 89, A replaced by G.
Protein change: p.Lys30Arg; replaces lysine 30 with arginine.
Molecular consequence: missense variant.
Genome position (GRCh38, 1-based): chrX:71,118,843, A>G. VCF-style: chrX-71118843-A-G. GRCh37 (hg19) VCF-style: chrX-70338693-A-G.
Other names: c.89A>G (NM_005120.2); short protein forms K30R.
Identifiers: ClinVar variation 1441611 (VCV001441611.9), dbSNP rs2147767167, ClinGen allele CA413498479.

ClinVar aggregate classification (germline): Uncertain significance. Review status: criteria provided, multiple submitters, no conflicts (2 of 4 stars). 2 submissions from 2 submitters: Uncertain significance (2). Last evaluated 2025-06-09.

Conditions:
FG syndrome (FGS). Identifiers: MedGen C0220769, MONDO:0002010.
Familial thoracic aortic aneurysm and aortic dissection (TAAD). Also called: Thoracic aortic aneurysms and dissections. Identifiers: Orphanet 91387, MedGen C4707243, MONDO:0019625.

Submissions (2):

Ambry Genetics
Classification: Uncertain significance for Familial thoracic aortic aneurysm and aortic dissection. Last evaluated: 2025-06-09. Review status: criteria provided, single submitter. Criteria: Ambry Variant Classification Scheme 2023. Collection method: clinical testing. Allele origin: germline.
Comment: The p.K30R variant (also known as c.89A>G), located in coding exon 1 of the MED12 gene, results from an A to G substitution at nucleotide position 89. The lysine at codon 30 is replaced by arginine, an amino acid with highly similar properties. This amino acid position is conserved. In addition, this alteration is predicted to be tolerated by in silico analysis. Based on the available evidence, the clinical significance of this variant remains unclear.

Labcorp Genetics (formerly Invitae), Labcorp
Classification: Uncertain significance for FG syndrome. Last evaluated: 2023-12-04. Review status: criteria provided, single submitter. Criteria: Invitae Variant Classification Sherloc (09022015). Collection method: clinical testing. Allele origin: germline.
Comment: This sequence change replaces lysine, which is basic and polar, with arginine, which is basic and polar, at codon 30 of the MED12 protein (p.Lys30Arg). This variant is not present in population databases (gnomAD no frequency). This variant has not been reported in the literature in individuals affected with MED12-related conditions. ClinVar contains an entry for this variant (Variation ID: 1441611). Advanced modeling of protein sequence and biophysical properties (such as structural, functional, and spatial information, amino acid conservation, physicochemical variation, residue mobility, and thermodynamic stability) performed at Invitae indicates that this missense variant is not expected to disrupt MED12 protein function with a negative predictive value of 95%. In summary, the available evidence is currently insufficient to determine the role of this variant in disease. Therefore, it has been classified as a Variant of Uncertain Significance.